The following is an entry in ClinVar:

ClinVar aggregate classification (germline): Likely benign (1 of 4 stars; one submission).

Submission:

CeGaT Center for Human Genetics Tuebingen
Classification: Likely benign. Last evaluated: 2025-09-01. Review status: criteria provided, single submitter. Criteria: CeGaT Center For Human Genetics Tuebingen Variant Classification Criteria Version 2. Collection method: clinical testing. Allele origin: germline. Affected: yes. Observed: 1 variant allele.
Comment: SSC5D: BP4, BP7

NM_001144950.2(SSC5D):c.3855G>A (p.Thr1285=)

Gene: SSC5D (scavenger receptor cysteine rich family member with 5 domains; plus strand). Cytogenetic location: 19q13.42.
Variant type: single nucleotide variant.
Coding change: c.3855G>A on transcript NM_001144950.2 (MANE Select); coding-DNA position 3855, G replaced by A.
Protein change: p.Thr1285=; no amino-acid change (threonine 1285 retained).
Molecular consequence: synonymous variant.
Genome position (GRCh38, 1-based): chr19:55,518,131, G>A. VCF-style: chr19-55518131-G-A. GRCh37 (hg19) VCF-style: chr19-56029498-G-A.
Identifiers: ClinVar variation 4280760 (VCV004280760.7).
Genomic context (GRCh38, chr19:55,518,131, plus strand): 5'-CTTCACCACCATGCAGCCCACCACGATGCCTCATCCCACCACGACCCCTCACCCCACCAC[G>A]ACTCCTCACCCCACCACAACCCCTCACCCCACCACAACCCCTCACCCCACCATGACTCCT-3'
Protein context (NP_001138422.1, residues 1275-1295): PHPTTTPHPT[Thr1285=]TPHPTTTPHP